The following is an entry in ClinVar:

NM_004006.3(DMD):c.6651_6652del (p.Asp2219fs)

Gene: DMD (dystrophin; minus strand). Cytogenetic location: Xp21.1.
Variant type: Deletion.
Coding change: c.6651_6652del on transcript NM_004006.3 (MANE Select); coding-DNA positions 6651 to 6652, 2 bases deleted (AA; older notation c.6651_6652delAA).
Protein change: p.Asp2219fs; shifts the reading frame from aspartic acid 2219.
Molecular consequence: frameshift variant. On other transcripts: 5 prime UTR variant (5).
Genome position (GRCh38, 1-based): chrX:31,932,190-31,932,191, TT deleted on the plus strand (AA on the coding strand, the reverse complement: DMD is on the minus strand); deleting any 2 consecutive bases within chrX:31,932,190-31,932,192 gives the same sequence; the c. name uses the placement nearest the transcript's 3' end. VCF-style (leftmost placement, unchanged base first): chrX-31932189-CTT-C. GRCh37 (hg19) VCF-style: chrX-31950306-CTT-C.
Other names: c.6627_6628del, p.Asp2211fs (NM_000109.4); c.6639_6640del, p.Asp2215fs (NM_004009.3); c.6282_6283del, p.Asp2096fs (NM_004010.3); c.2628_2629del, p.Asp878fs (NM_004011.4); c.2619_2620del, p.Asp875fs (NM_004012.4); c.-730_-729del (NM_004013.3, NM_004020.4, NM_004021.3 and 2 more transcripts); short protein forms D2096fs, D2211fs, D2219fs, D875fs, D878fs, D2215fs.
Identifiers: ClinVar variation 499728 (VCV000499728.7), dbSNP rs1557011929, ClinGen allele CA658799675.

ClinVar aggregate classification (germline): Pathogenic. Review status: criteria provided, multiple submitters, no conflicts (2 of 4 stars). 2 submissions from 2 submitters: Pathogenic (2). Last evaluated 2025-07-27.

Conditions:
Duchenne muscular dystrophy (DMD). Also called: MUSCULAR DYSTROPHY, PSEUDOHYPERTROPHIC PROGRESSIVE, DUCHENNE TYPE; Duchenne Muscular Dystrophy (DMD). Identifiers: Orphanet 98896, MedGen C0013264, MONDO:0010679, OMIM 310200.

Submissions (2):

Labcorp Genetics (formerly Invitae), Labcorp
Classification: Pathogenic for Duchenne muscular dystrophy. Last evaluated: 2025-07-27. Review status: criteria provided, single submitter. Criteria: Invitae Variant Classification Sherloc (09022015). Collection method: clinical testing. Allele origin: germline.
Comment: This sequence change creates a premature translational stop signal (p.Asp2219Phefs*3) in the DMD gene. It is expected to result in an absent or disrupted protein product. Loss-of-function variants in DMD are known to be pathogenic (PMID: 16770791, 25007885). This variant is not present in population databases (gnomAD no frequency). This variant has not been reported in the literature in individuals affected with DMD-related conditions. ClinVar contains an entry for this variant (Variation ID: 499728). For these reasons, this variant has been classified as Pathogenic.

Eurofins Ntd Llc (ga)
Classification: Pathogenic. Last evaluated: 2017-02-02. Review status: criteria provided, single submitter. Criteria: EGL Classification Definitions 2015. Collection method: clinical testing. Allele origin: germline. Observed: 1 variant allele, 1 hemizygote.

Literature cited by the submitters: PubMed 16770791 (cited by Labcorp Genetics (formerly Invitae), Labcorp); PubMed 25007885 (cited by Labcorp Genetics (formerly Invitae), Labcorp).